The following is an entry in ClinVar:

NM_014339.7(IL17RA):c.2491G>A (p.Glu831Lys)

Gene: IL17RA (interleukin 17 receptor A; plus strand). Cytogenetic location: 22q11.1.
Variant type: single nucleotide variant.
Coding change: c.2491G>A on transcript NM_014339.7 (MANE Select); coding-DNA position 2491, G replaced by A.
Protein change: p.Glu831Lys; replaces glutamic acid 831 with lysine.
Molecular consequence: missense variant.
Genome position (GRCh38, 1-based): chr22:17,109,710, G>A. VCF-style: chr22-17109710-G-A. GRCh37 (hg19) VCF-style: chr22-17590600-G-A.
Other names: c.2389G>A, p.Glu797Lys (NM_001289905.2); short protein forms E797K, E831K.
Identifiers: ClinVar variation 2142863 (VCV002142863.2), dbSNP rs747381686, ClinGen allele CA10087004.

ClinVar aggregate classification (germline): Uncertain significance (1 of 4 stars; one submission).

Conditions:
Immunodeficiency 51 (IMD51). Also called: CANDIDIASIS, FAMILIAL, 5. Identifiers: Orphanet 1334, MedGen C4310803, MONDO:0013500, OMIM 613953.

Allele frequency attached by ClinVar (database versions not stated): gnomAD exomes 0.00001; gnomAD 0.00002; TOPMed 0.00002; ExAC 0.00003.
gnomAD v4.1: 7 of 1,587,660 alleles (0.00044%); highest among the groups gnomAD compares: African/African-American, 0.0013%; no homozygotes.

Submissions (2):

Labcorp Genetics (formerly Invitae), Labcorp
Classification: Uncertain significance for Immunodeficiency 51. Last evaluated: 2022-06-04. Review status: criteria provided, single submitter. Criteria: Invitae Variant Classification Sherloc (09022015). Collection method: clinical testing. Allele origin: germline.
Comment: This sequence change replaces glutamic acid, which is acidic and polar, with lysine, which is basic and polar, at codon 831 of the IL17RA protein (p.Glu831Lys). The frequency data for this variant in the population databases is considered unreliable, as metrics indicate poor data quality at this position in the gnomAD database. This variant has not been reported in the literature in individuals affected with IL17RA-related conditions. Algorithms developed to predict the effect of missense changes on protein structure and function are either unavailable or do not agree on the potential impact of this missense change (SIFT: "Tolerated"; PolyPhen-2: "Possibly Damaging"; Align-GVGD: "Class C0"). In summary, the available evidence is currently insufficient to determine the role of this variant in disease. Therefore, it has been classified as a Variant of Uncertain Significance.

Dr. Peter K. Rogan Lab, Western University
No classification provided (evidence only). Condition: Thyroid cancer, nonmedullary, 1. Review status: no classification provided. Collection method: in vitro. Allele origin: not applicable. Functional consequence: retained intron. Not counted in ClinVar's aggregate classification.